The following is an entry in ClinVar:

ClinVar aggregate classification (germline): Pathogenic (1 of 4 stars; one submission).

Conditions:
Majeed syndrome (MJDS). Also called: CHRONIC RECURRENT MULTIFOCAL OSTEOMYELITIS 1, WITH CONGENITAL DYSERYTHROPOIETIC ANEMIA, WITH OR WITHOUT NEUTROPHILIC DERMATOSIS; LPIN2-Related Majeed Syndrome. Identifiers: Orphanet 77297, MedGen C1864997, MONDO:0012316, OMIM 609628.

Submission:

Labcorp Genetics (formerly Invitae), Labcorp
Classification: Pathogenic for Majeed syndrome. Last evaluated: 2020-10-30. Review status: criteria provided, single submitter. Criteria: Invitae Variant Classification Sherloc (09022015). Collection method: clinical testing. Allele origin: germline.
Comment: This variant has not been reported in the literature in individuals with LPIN2-related conditions. For these reasons, this variant has been classified as Pathogenic. This variant is a gross deletion of the genomic region encompassing exon(s) 10-13 of the LPIN2 gene. This deletion is out-of-frame, and is expected to create a premature translational stop signal and result in an absent or disrupted protein product. Loss-of-function variants in LPIN2 are known to be pathogenic (PMID: 15994876, 23087183).

Literature cited by the submitters: PubMed 15994876; PubMed 23087183.

NC_000018.10:g.(?_2926703)_(2929178_?)del

Gene: LPIN2 (lipin 2; minus strand). Cytogenetic location: 18p11.31.
Variant type: Deletion.
Identifiers: ClinVar variation 831706 (VCV000831706.8).